The following is an entry in ClinVar:

ClinVar aggregate classification (germline): Uncertain significance. Review status: criteria provided, multiple submitters, no conflicts (2 of 4 stars). 2 submissions from 2 submitters: Uncertain significance (2). Last evaluated 2024-03-28.

Allele frequency attached by ClinVar (database versions not stated): TOPMed below 0.00001; gnomAD 0.00001.
gnomAD v4.1: 2 of 1,613,736 alleles (0.00012%); highest among the groups gnomAD compares: Non-Finnish European, 0.00017%; no homozygotes.

Submissions (2):

Women's Health and Genetics/Laboratory Corporation of America, LabCorp
Classification: Uncertain significance. Last evaluated: 2024-03-28. Review status: criteria provided, single submitter. Criteria: LabCorp Variant Classification Summary - May 2015. Collection method: clinical testing. Allele origin: germline.
Comment: Variant summary: COL4A3 c.1166G>C (p.Gly389Ala) results in a non-conservative amino acid change in the encoded protein sequence. Five of five in-silico tools predict a damaging effect of the variant on protein function. The variant was absent in 248214 control chromosomes. The available data on variant occurrences in the general population are insufficient to allow any conclusion about variant significance. To our knowledge, no occurrence of c.1166G>C in individuals affected with Alport Syndrome, Autosomal Recessive and no experimental evidence demonstrating its impact on protein function have been reported. ClinVar contains an entry for this variant (Variation ID: 2415654). Based on the evidence outlined above, the variant was classified as uncertain significance.

Labcorp Genetics (formerly Invitae), Labcorp
Classification: Uncertain significance. Last evaluated: 2021-03-24. Review status: criteria provided, single submitter. Criteria: Invitae Variant Classification Sherloc (09022015). Collection method: clinical testing. Allele origin: germline.
Comment: This sequence change replaces glycine with alanine at codon 389 of the COL4A3 protein (p.Gly389Ala). The glycine residue is highly conserved and there is a small physicochemical difference between glycine and alanine. This variant is not present in population databases (ExAC no frequency). This variant has not been reported in the literature in individuals with COL4A3-related conditions. Advanced modeling of protein sequence and biophysical properties (such as structural, functional, and spatial information, amino acid conservation, physicochemical variation, residue mobility, and thermodynamic stability) performed at Invitae indicates that this missense variant is expected to disrupt COL4A3 protein function. In summary, the available evidence is currently insufficient to determine the role of this variant in disease. Therefore, it has been classified as a Variant of Uncertain Significance.

NM_000091.5(COL4A3):c.1166G>C (p.Gly389Ala)

Genes: COL4A3 (collagen type IV alpha 3 chain; plus strand), MFF-DT (MFF divergent transcript; minus strand). Cytogenetic location: 2q36.3.
Variant type: single nucleotide variant.
Coding change: c.1166G>C on transcript NM_000091.5 (MANE Select); coding-DNA position 1166, G replaced by C.
Protein change: p.Gly389Ala; replaces glycine 389 with alanine.
Molecular consequence: missense variant.
Genome position (GRCh38, 1-based): chr2:227,263,795, G>C. VCF-style: chr2-227263795-G-C. GRCh37 (hg19) VCF-style: chr2-228128511-G-C.
Other names: short protein forms G389A.
Identifiers: ClinVar variation 2415654 (VCV002415654.4), dbSNP rs1380325246, ClinGen allele CA350868702.